The following is an entry in ClinVar:

NM_213655.5(WNK1):c.3307G>C (p.Val1103Leu)

Gene: WNK1 (WNK lysine deficient protein kinase 1; plus strand). Cytogenetic location: 12p13.33.
Variant type: single nucleotide variant.
Coding change: c.3307G>C on transcript NM_213655.5 (MANE Plus Clinical); coding-DNA position 3307, G replaced by C.
Protein change: p.Val1103Leu; replaces valine 1103 with leucine.
Molecular consequence: missense variant. On other transcripts: intron variant (2).
Genome position (GRCh38, 1-based): chr12:868,778, G>C. VCF-style: chr12-868778-G-C. GRCh37 (hg19) VCF-style: chr12-977944-G-C.
Other names: c.3052G>C, p.Val1018Leu (NM_001184985.2); c.2140-2487G>C (NM_018979.4, NM_014823.3); short protein forms V1018L, V1103L.
Identifiers: ClinVar variation 1449557 (VCV001449557.6), dbSNP rs1366683439, ClinGen allele CA383341820.
Genomic context (GRCh38, chr12:868,778, plus strand): 5'-GACTTGAATCAAGAAGAACTGCCTCCTCAATCAGTTGGATTACATGGCTACTTGCAGCCT[G>C]TGACTGAAGAAAAGCATAATTACCATGCCCCAGAATTGACCGTTTCTGTGGTAGAGCCTA-3'
Protein context (NP_998820.3, residues 1093-1113): SVGLHGYLQP[Val1103Leu]TEEKHNYHAP

ClinVar aggregate classification (germline): Uncertain significance (1 of 4 stars; one submission).

Conditions:
Neuropathy, hereditary sensory and autonomic, type 2A (HSAN2A). Also called: ACROOSTEOLYSIS, GIACCAI TYPE; ACROOSTEOLYSIS, NEUROGENIC; MORVAN DISEASE; NEUROPATHY, CONGENITAL SENSORY; NEUROPATHY, HEREDITARY SENSORY RADICULAR, AUTOSOMAL RECESSIVE; NEUROPATHY, HEREDITARY SENSORY, TYPE IIA. Identifiers: Orphanet 970, MedGen C2752089, MONDO:0024309, OMIM 201300.
Pseudohypoaldosteronism type 2C (PHA2C). Also called: Pseudohypoaldosteronism Type IIC. Identifiers: Orphanet 757, Orphanet 88940, MedGen C1840391, MONDO:0013778, OMIM 614492.

Allele frequency attached by ClinVar (database versions not stated): gnomAD 0.00001.
gnomAD v4.1: 3 of 1,613,946 alleles (0.00019%); highest among the groups gnomAD compares: Non-Finnish European, 0.00017%; no homozygotes.

Submission:

Labcorp Genetics (formerly Invitae), Labcorp
Classification: Uncertain significance for Neuropathy, hereditary sensory and autonomic, type 2A; Pseudohypoaldosteronism type 2C. Last evaluated: 2021-09-03. Review status: criteria provided, single submitter. Criteria: Invitae Variant Classification Sherloc (09022015). Collection method: clinical testing. Allele origin: germline.
Comment: This sequence change replaces valine with leucine at codon 1103 of the WNK1 protein (p.Val1103Leu). The valine residue is weakly conserved and there is a small physicochemical difference between valine and leucine. This variant is not present in population databases (ExAC no frequency). This variant has not been reported in the literature in individuals affected with WNK1-related conditions. Advanced modeling of protein sequence and biophysical properties (such as structural, functional, and spatial information, amino acid conservation, physicochemical variation, residue mobility, and thermodynamic stability) performed at Invitae indicates that this missense variant is not expected to disrupt WNK1 protein function. In summary, the available evidence is currently insufficient to determine the role of this variant in disease. Therefore, it has been classified as a Variant of Uncertain Significance.